The following is an entry in ClinVar:

NM_001080453.3(INTS1):c.2013C>T (p.Asp671=)

Gene: INTS1 (integrator complex subunit 1; minus strand). Cytogenetic location: 7p22.3.
Variant type: single nucleotide variant.
Coding change: c.2013C>T on transcript NM_001080453.3 (MANE Select); coding-DNA position 2013, C replaced by T.
Protein change: p.Asp671=; no amino-acid change (aspartic acid 671 retained).
Molecular consequence: synonymous variant.
Genome position (GRCh38, 1-based): chr7:1,493,809, G>A on the plus strand (C>T on the coding strand, the complement: INTS1 is on the minus strand). VCF-style: chr7-1493809-G-A. GRCh37 (hg19) VCF-style: chr7-1533445-G-A.
Identifiers: ClinVar variation 3033429 (VCV003033429.3), dbSNP rs769180230, ClinGen allele CA4120053.

ClinVar aggregate classification (germline): Likely benign. Review status: criteria provided, single submitter (1 of 4 stars). 2 submissions from 2 submitters: Likely benign (1). 1 of the submissions does not count toward it. Last evaluated 2023-12-07.

Conditions:
INTS1-related disorder. Also called: INTS1-related condition.

Allele frequency attached by ClinVar (database versions not stated): gnomAD exomes 0.00004; gnomAD 0.00008; ExAC 0.00014; TOPMed 0.00015.
gnomAD v4.1: 65 of 1,576,554 alleles (0.0041%); highest among the groups gnomAD compares: East Asian, 0.031%; no homozygotes.

Submissions (2):

Blueprint Genetics
Classification: Likely benign. Last evaluated: 2023-12-07. Review status: criteria provided, single submitter. Criteria: ACMG Guidelines, 2015. Collection method: clinical testing. Allele origin: germline.

PreventionGenetics, part of Exact Sciences
Classification: Likely benign for INTS1-related condition. Last evaluated: 2019-06-12. Review status: no assertion criteria provided. Collection method: clinical testing. Allele origin: germline. Not counted in ClinVar's aggregate classification.
Comment: This variant is classified as likely benign based on ACMG/AMP sequence variant interpretation guidelines (Richards et al. 2015 PMID: 25741868, with internal and published modifications).